The following is an entry in ClinVar:

ClinVar aggregate classification (germline): Uncertain significance (1 of 4 stars; one submission).

Conditions:
Charcot-Marie-Tooth disease axonal type 2O. Also called: Charcot-Marie-Tooth Neuropathy Type 2O; Charcot-Marie-Tooth disease, axonal, type 20; CHARCOT-MARIE-TOOTH NEUROPATHY, AXONAL, TYPE 2O; CHARCOT-MARIE-TOOTH DISEASE, AXONAL, AUTOSOMAL DOMINANT, TYPE 2O. Identifiers: Orphanet 284232, MedGen C3280220, MONDO:0013644, OMIM 614228.

Submission:

Labcorp Genetics (formerly Invitae), Labcorp
Classification: Uncertain significance for Charcot-Marie-Tooth disease axonal type 2O. Last evaluated: 2022-01-16. Review status: criteria provided, single submitter. Criteria: Invitae Variant Classification Sherloc (09022015). Collection method: clinical testing. Allele origin: germline.
Comment: In summary, the available evidence is currently insufficient to determine the role of this variant in disease. Therefore, it has been classified as a Variant of Uncertain Significance. Advanced modeling of protein sequence and biophysical properties (such as structural, functional, and spatial information, amino acid conservation, physicochemical variation, residue mobility, and thermodynamic stability) performed at Invitae indicates that this missense variant is not expected to disrupt DYNC1H1 protein function. This variant has not been reported in the literature in individuals affected with DYNC1H1-related conditions. This variant is not present in population databases (gnomAD no frequency). This sequence change replaces leucine, which is neutral and non-polar, with glutamine, which is neutral and polar, at codon 4106 of the DYNC1H1 protein (p.Leu4106Gln).

NM_001376.5(DYNC1H1):c.12317T>A (p.Leu4106Gln)

Gene: DYNC1H1 (dynein cytoplasmic 1 heavy chain 1; plus strand). Cytogenetic location: 14q32.31.
Variant type: single nucleotide variant.
Coding change: c.12317T>A on transcript NM_001376.5 (MANE Select); coding-DNA position 12317, T replaced by A.
Protein change: p.Leu4106Gln; replaces leucine 4106 with glutamine.
Molecular consequence: missense variant.
Genome position (GRCh38, 1-based): chr14:102,042,425, T>A. VCF-style: chr14-102042425-T-A. GRCh37 (hg19) VCF-style: chr14-102508762-T-A.
Other names: short protein forms L4106Q.
Identifiers: ClinVar variation 1362365 (VCV001362365.6), dbSNP rs2152596641, ClinGen allele CA391040849.